The following is an entry in ClinVar:

NM_003571.4(BFSP2):c.215G>A (p.Arg72His)

Gene: BFSP2 (beaded filament structural protein 2; plus strand). Cytogenetic location: 3q22.1.
Variant type: single nucleotide variant.
Coding change: c.215G>A on transcript NM_003571.4 (MANE Select); coding-DNA position 215, G replaced by A.
Protein change: p.Arg72His; replaces arginine 72 with histidine.
Molecular consequence: missense variant.
Genome position (GRCh38, 1-based): chr3:133,400,298, G>A. VCF-style: chr3-133400298-G-A. GRCh37 (hg19) VCF-style: chr3-133119142-G-A.
Other names: c.215G>A (NM_003571.2); short protein forms R72H.
Identifiers: ClinVar variation 2715249 (VCV002715249.4), dbSNP rs773577959, ClinGen allele CA2623203.
Genomic context (GRCh38, chr3:133,400,298, plus strand): 5'-GAGCACCCGGGGTCTATGTAGGAACAGCACCCAGTGGGTGCATAGGTGGCTTGGGTGCCC[G>A]TGTGACCCGCCGGGCCCTCGGCATCAGCAGTGTCTTCCTTCAGGGCCTGCGGAGCTCAGG-3'
Protein context (NP_003562.1, residues 62-82): PSGCIGGLGA[Arg72His]VTRRALGISS

ClinVar aggregate classification (germline): Uncertain significance. Review status: criteria provided, multiple submitters, no conflicts (2 of 4 stars). 2 submissions from 2 submitters: Uncertain significance (2). Last evaluated 2024-11-07.

Conditions:
Cataract 12 multiple types. Identifiers: Orphanet 91492, MedGen C3808115, MONDO:0012701, OMIM 611597.

Allele frequency attached by ClinVar (database versions not stated): ExAC 0.00001; TOPMed 0.00001; gnomAD exomes 0.00002; gnomAD 0.00003.
gnomAD v4.1: 34 of 1,613,900 alleles (0.0021%); highest among the groups gnomAD compares: Middle Eastern, 0.016%; no homozygotes.

Submissions (2):

Ambry Genetics
Classification: Uncertain significance. Last evaluated: 2024-11-07. Review status: criteria provided, single submitter. Criteria: Ambry Variant Classification Scheme 2023. Collection method: clinical testing. Allele origin: germline.

Labcorp Genetics (formerly Invitae), Labcorp
Classification: Uncertain significance for Cataract 12 multiple types. Last evaluated: 2022-10-31. Review status: criteria provided, single submitter. Criteria: Invitae Variant Classification Sherloc (09022015). Collection method: clinical testing. Allele origin: germline.
Comment: This sequence change replaces arginine, which is basic and polar, with histidine, which is basic and polar, at codon 72 of the BFSP2 protein (p.Arg72His). This variant is present in population databases (rs773577959, gnomAD 0.006%). This variant has not been reported in the literature in individuals affected with BFSP2-related conditions. Advanced modeling of protein sequence and biophysical properties (such as structural, functional, and spatial information, amino acid conservation, physicochemical variation, residue mobility, and thermodynamic stability) performed at Invitae indicates that this missense variant is expected to disrupt BFSP2 protein function. In summary, the available evidence is currently insufficient to determine the role of this variant in disease. Therefore, it has been classified as a Variant of Uncertain Significance.